The following is an entry in ClinVar:

NM_006939.4(SOS2):c.702G>A (p.Leu234=)

Gene: SOS2 (SOS Ras/Rho guanine nucleotide exchange factor 2; minus strand). Cytogenetic location: 14q21.3.
Variant type: single nucleotide variant.
Coding change: c.702G>A on transcript NM_006939.4 (MANE Select); coding-DNA position 702, G replaced by A.
Protein change: p.Leu234=; no amino-acid change (leucine 234 retained).
Molecular consequence: synonymous variant.
Genome position (GRCh38, 1-based): chr14:50,188,509, C>T on the plus strand (G>A on the coding strand, the complement: SOS2 is on the minus strand). VCF-style: chr14-50188509-C-T. GRCh37 (hg19) VCF-style: chr14-50655227-C-T.
Identifiers: ClinVar variation 706548 (VCV000706548.33), dbSNP rs200208472, ClinGen allele CA7177473.

ClinVar aggregate classification (germline): Benign/Likely benign. Review status: criteria provided, multiple submitters, no conflicts (2 of 4 stars). 9 submissions from 9 submitters: Benign (2); Likely benign (7). Last evaluated 2026-09-13.

Conditions:
SOS2-related disorder. Also called: SOS2-related condition.
Noonan syndrome 9 (NS9). Identifiers: Orphanet 648, MedGen C4225282, MONDO:0014691, OMIM 616559.
Cardiovascular phenotype. Identifiers: MedGen CN230736.

Allele frequency attached by ClinVar (database versions not stated): ExAC 0.00007; TOPMed 0.00009; gnomAD 0.00012; gnomAD exomes 0.00012 and 0.00021; ESP Exome Variant Server 0.00015; 1000 Genomes Project 30x 0.00016; 1000 Genomes Project 0.00020.
gnomAD v4.1: 321 of 1,598,580 alleles (0.02%); highest among the groups gnomAD compares: Non-Finnish European, 0.026%; no homozygotes.

Submissions (9):

PreventionGenetics, part of Exact Sciences
Classification: Likely benign for SOS2-related condition. Last evaluated: 2026-09-13. Review status: criteria provided, single submitter. Criteria: ACMG Guidelines, 2015. Collection method: clinical testing. Allele origin: germline.
Comment: This variant is classified as likely benign based on ACMG/AMP sequence variant interpretation guidelines (Richards et al. 2015 PMID: 25741868, with internal and published modifications).

Labcorp Genetics (formerly Invitae), Labcorp
Classification: Likely benign for Noonan syndrome 9. Last evaluated: 2025-12-03. Review status: criteria provided, single submitter. Criteria: Invitae Variant Classification Sherloc (09022015). Collection method: clinical testing. Allele origin: germline.

CeGaT Center for Human Genetics Tuebingen
Classification: Likely benign. Last evaluated: 2024-12-01. Review status: criteria provided, single submitter. Criteria: CeGaT Center For Human Genetics Tuebingen Variant Classification Criteria Version 2. Collection method: clinical testing. Allele origin: germline. Affected: yes. Observed: 1 variant allele.
Comment: SOS2: BP4, BP7

Ambry Genetics
Classification: Likely benign for Cardiovascular phenotype. Last evaluated: 2024-05-30. Review status: criteria provided, single submitter. Criteria: Ambry Variant Classification Scheme 2023. Collection method: clinical testing. Allele origin: germline.

ARUP Laboratories, Molecular Genetics and Genomics, ARUP Laboratories
Classification: Likely benign for Noonan syndrome 9. Last evaluated: 2023-11-06. Review status: criteria provided, single submitter. Criteria: ARUP Molecular Germline Variant Investigation Process 2024. Collection method: clinical testing. Allele origin: germline.

Blueprint Genetics
Classification: Likely benign. Last evaluated: 2023-07-12. Review status: criteria provided, single submitter. Criteria: ACMG Guidelines, 2015. Collection method: clinical testing. Allele origin: germline.

Women's Health and Genetics/Laboratory Corporation of America, LabCorp
Classification: Benign. Last evaluated: 2021-09-07. Review status: criteria provided, single submitter. Criteria: LabCorp Variant Classification Summary - May 2015. Collection method: clinical testing. Allele origin: germline.

Breakthrough Genomics
Classification: Likely benign. Review status: criteria provided, single submitter. Criteria: ACMG Guidelines, 2015. Collection method: not provided. Allele origin: germline. Inheritance: Autosomal dominant inheritance. Affected: yes.

Genome-Nilou Lab
Classification: Benign for Noonan syndrome 9. Review status: criteria provided, single submitter. Criteria: ACMG Guidelines, 2015. Collection method: clinical testing. Allele origin: germline.